The following is an entry in ClinVar:

NM_001386795.1(DTNA):c.1532+225A>G

Gene: DTNA (dystrobrevin alpha; plus strand). Cytogenetic location: 18q12.1.
Variant type: single nucleotide variant.
Coding change: c.1532+225A>G on transcript NM_001386795.1 (MANE Select); 225 bases into the intron after coding-DNA position 1532, A replaced by G.
Molecular consequence: intron variant.
Genome position (GRCh38, 1-based): chr18:34,852,153, A>G. VCF-style: chr18-34852153-A-G. GRCh37 (hg19) VCF-style: chr18-32432117-A-G.
Other names: c.1280+225A>G (NM_032975.4, NM_001386761.1, NM_032979.5); c.1277+225A>G (NM_001386762.1); c.1361+225A>G (NM_001386754.1, NM_001386755.1, NM_001386757.1 and 4 more transcripts); c.1358+225A>G (NM_001386760.1); c.1271+225A>G (NM_001386763.1, NM_001386764.1, NM_001386771.1 and 9 more transcripts); c.1268+225A>G (NM_001386768.1, NM_001386773.1, NM_001386769.1 and 1 more transcripts); c.701+225A>G (NM_001198945.2); c.1532+225A>G (NM_001386788.1); and 7 more.
Identifiers: ClinVar variation 678532 (VCV000678532.2), dbSNP rs1786606, ClinGen allele CA14602059.

ClinVar aggregate classification (germline): Benign. Review status: criteria provided, multiple submitters, no conflicts (2 of 4 stars). 2 submissions from 2 submitters: Benign (2). Last evaluated 2018-06-16.

Allele frequency attached by ClinVar (database versions not stated): 1000 Genomes Project 0.15375; 1000 Genomes Project 30x 0.15928; gnomAD 0.17539 and 0.18215; TOPMed 0.17578.
gnomAD v4.1: 26,513 of 152,108 alleles (17%); highest among the groups gnomAD compares: African/African-American, 34%; 3,148 homozygotes.

Submissions (2):

GeneDx
Classification: Benign. Last evaluated: 2018-06-16. Review status: criteria provided, single submitter. Criteria: GeneDx Variant Classification (06012015). Collection method: clinical testing. Allele origin: germline. Affected: yes.
Comment: This variant is considered likely benign or benign based on one or more of the following criteria: it is a conservative change, it occurs at a poorly conserved position in the protein, it is predicted to be benign by multiple in silico algorithms, and/or has population frequency not consistent with disease.

Breakthrough Genomics
Classification: Benign. Review status: criteria provided, single submitter. Criteria: ACMG Guidelines, 2015. Collection method: not provided. Allele origin: germline. Inheritance: Autosomal dominant inheritance. Affected: yes.